The following is an entry in ClinVar:

GRCh38/hg38 16p13.3(chr16:2062586-2094330)x1

Genes: MIR1225 (microRNA 1225; minus strand), PKD1 (polycystin 1, transient receptor potential channel interacting; minus strand), PKD1-AS1 (PKD1 antisense RNA 1; plus strand), TSC2 (TSC complex subunit 2; plus strand). Cytogenetic location: 16p13.3.
Variant type: copy number loss.
Change: copy number 1 (one copy instead of two) of chr16:2,062,586-2,094,330 (31.7 kb, GRCh38 coordinates, 1-based), cytogenetic band 16p13.3.
Identifiers: ClinVar variation 4974706 (VCV004974706.1).

ClinVar aggregate classification (germline): Pathogenic (1 of 4 stars; one submission).

Submission:

Clinical Genomics Laboratory, Laboratory for Precision Diagnostics, University of Washington
Classification: Pathogenic. Last evaluated: 2024-12-10. Review status: criteria provided, single submitter. Criteria: ACMG/ClinGen CNV Guidelines, 2019. Collection method: clinical testing. Allele origin: unknown. Affected: yes. Observed: 1 variant allele.
Comment: This deletion is approximately 31.7 kb in size as assessed by this microarray platform and contains at least exons 13-42 of TSC2 (NM_000548.5; OMIM 191092) and at least exons 35-46 of PKD1 (NM_001009944.3; OMIM 601313). These abnormal results are diagnostic of TSC2/PKD1 contiguous gene deletion syndrome (PKDTS). Heterozygous loss-of-function variants in TSC2, including deletions of part or all of the gene, cause tuberous sclerosis complex (TSC). This condition is characterized by the growth of noncancerous tumors in the brain, skin, and other vital organs (including cardiac rhabdomyomas in the prenatal period). People with TSC may also have other features such as seizures, autism spectrum disorder, or intellectual disability. Heterozygous loss-of-function variants in PKD1, including deletions of part or all of the gene, cause autosomal dominant polycystic kidney disease (ADPKD). A primary symptom of ADPKD is the growth of cysts in the kidneys, which can lead to kidney failure. Complications seen in ADPKD include high blood pressure, kidney stones, blood in the urine, recurrent urinary tract infections, cysts in the liver or other organs, and intracranial and other arterial aneurysms. PKDTS involves deletions of both TSC2 and PKD1, so features of both conditions may be observed. In contrast to typical ADPKD, PKDTS consistently presents with severe polycystic kidney disease within the first year of life (PMID: 9382094; PMID: 18818683).

Literature cited by the submitters: PubMed 9382094; PubMed 32695431.